The following is an entry in ClinVar:

ClinVar aggregate classification (germline): Uncertain significance. Review status: criteria provided, multiple submitters, no conflicts (2 of 4 stars). 3 submissions from 3 submitters: Uncertain significance (3). Last evaluated 2024-02-28.

Conditions:
Inborn genetic diseases. Identifiers: MedGen C0950123, MeSH D030342.

Allele frequency attached by ClinVar (database versions not stated): gnomAD exomes below 0.00001 and 0.00001; TOPMed below 0.00001; gnomAD 0.00001; ExAC 0.00002.
gnomAD v4.1: 11 of 1,613,736 alleles (0.00068%); highest among the groups gnomAD compares: Non-Finnish European, 0.00093%; no homozygotes.

Submissions (3):

Ambry Genetics
Classification: Uncertain significance for Inborn genetic diseases. Last evaluated: 2024-02-28. Review status: criteria provided, single submitter. Criteria: Ambry Variant Classification Scheme 2023. Collection method: clinical testing. Allele origin: germline.

Labcorp Genetics (formerly Invitae), Labcorp
Classification: Uncertain significance. Last evaluated: 2022-07-15. Review status: criteria provided, single submitter. Criteria: Invitae Variant Classification Sherloc (09022015). Collection method: clinical testing. Allele origin: germline.
Comment: This sequence change replaces threonine, which is neutral and polar, with isoleucine, which is neutral and non-polar, at codon 384 of the SLC24A5 protein (p.Thr384Ile). This variant is present in population databases (rs750277673, gnomAD 0.004%). This variant has not been reported in the literature in individuals affected with SLC24A5-related conditions. ClinVar contains an entry for this variant (Variation ID: 872707). Algorithms developed to predict the effect of missense changes on protein structure and function are either unavailable or do not agree on the potential impact of this missense change (SIFT: "Deleterious"; PolyPhen-2: "Benign"; Align-GVGD: "Class C0"). In summary, the available evidence is currently insufficient to determine the role of this variant in disease. Therefore, it has been classified as a Variant of Uncertain Significance.

CeGaT Center for Human Genetics Tuebingen
Classification: Uncertain significance. Last evaluated: 2019-10-01. Review status: criteria provided, single submitter. Criteria: CeGaT Center For Human Genetics Tuebingen Variant Classification Criteria Version 2. Collection method: clinical testing. Allele origin: germline. Affected: yes. Observed: 1 variant allele.

NM_205850.3(SLC24A5):c.1151C>T (p.Thr384Ile)

Genes: MYEF2 (myelin expression factor 2; minus strand), SLC24A5 (solute carrier family 24 member 5; plus strand). Cytogenetic location: 15q21.1.
Variant type: single nucleotide variant.
Coding change: c.1151C>T on transcript NM_205850.3 (MANE Select); coding-DNA position 1151, C replaced by T.
Protein change: p.Thr384Ile; replaces threonine 384 with isoleucine.
Molecular consequence: missense variant. On other transcripts: 3 prime UTR variant (2).
Genome position (GRCh38, 1-based): chr15:48,141,185, C>T. VCF-style: chr15-48141185-C-T. GRCh37 (hg19) VCF-style: chr15-48433382-C-T.
Other names: c.*1723G>A (NM_001301210.2, NM_016132.5); short protein forms T384I.
Identifiers: ClinVar variation 872707 (VCV000872707.46), dbSNP rs750277673, ClinGen allele CA7546060.